The following is an entry in ClinVar:

NM_182943.3(PLOD2):c.1703G>A (p.Arg568His)

Gene: PLOD2 (procollagen-lysine,2-oxoglutarate 5-dioxygenase 2; minus strand). Cytogenetic location: 3q24.
Variant type: single nucleotide variant.
Coding change: c.1703G>A on transcript NM_182943.3 (MANE Select); coding-DNA position 1703, G replaced by A.
Protein change: p.Arg568His; replaces arginine 568 with histidine.
Molecular consequence: missense variant.
Genome position (GRCh38, 1-based): chr3:146,073,327, C>T on the plus strand (G>A on the coding strand, the complement: PLOD2 is on the minus strand). VCF-style: chr3-146073327-C-T. GRCh37 (hg19) VCF-style: chr3-145791114-C-T.
Other names: c.1640G>A, p.Arg547His (NM_000935.3); short protein forms R568H, R547H.
Identifiers: ClinVar variation 2069193 (VCV002069193.1), dbSNP rs376497013, ClinGen allele CA2654799.

ClinVar aggregate classification (germline): Uncertain significance (1 of 4 stars; one submission).

Allele frequency attached by ClinVar (database versions not stated): gnomAD 0.00002; gnomAD exomes 0.00002; TOPMed 0.00002; ExAC 0.00005; ESP Exome Variant Server 0.00008.
gnomAD v4.1: 19 of 1,224,060 alleles (0.0016%); highest among the groups gnomAD compares: Middle Eastern, 0.019%; no homozygotes.

Submission:

Labcorp Genetics (formerly Invitae), Labcorp
Classification: Uncertain significance. Last evaluated: 2022-03-01. Review status: criteria provided, single submitter. Criteria: Invitae Variant Classification Sherloc (09022015). Collection method: clinical testing. Allele origin: germline.
Comment: This sequence change replaces arginine, which is basic and polar, with histidine, which is basic and polar, at codon 568 of the PLOD2 protein (p.Arg568His). The frequency data for this variant in the population databases is considered unreliable, as metrics indicate poor data quality at this position in the gnomAD database. This variant has not been reported in the literature in individuals affected with PLOD2-related conditions. Algorithms developed to predict the effect of missense changes on protein structure and function output the following: SIFT: "Tolerated"; PolyPhen-2: "Benign"; Align-GVGD: "Class C0". The histidine amino acid residue is found in multiple mammalian species, which suggests that this missense change does not adversely affect protein function. In summary, the available evidence is currently insufficient to determine the role of this variant in disease. Therefore, it has been classified as a Variant of Uncertain Significance.